The following is an entry in ClinVar:

NM_032603.5(LOXL3):c.752C>T (p.Thr251Met)

Gene: LOXL3 (lysyl oxidase like 3; minus strand). Cytogenetic location: 2p13.1.
Variant type: single nucleotide variant.
Coding change: c.752C>T on transcript NM_032603.5 (MANE Select); coding-DNA position 752, C replaced by T.
Protein change: p.Thr251Met; replaces threonine 251 with methionine.
Molecular consequence: missense variant. On other transcripts: intron variant (2).
Genome position (GRCh38, 1-based): chr2:74,536,869, G>A on the plus strand (C>T on the coding strand, the complement: LOXL3 is on the minus strand). VCF-style: chr2-74536869-G-A. GRCh37 (hg19) VCF-style: chr2-74763996-G-A.
Other names: c.752C>T (NM_032603.4); c.478-398C>T (NM_001289164.3); c.-171-398C>T (NM_001289165.2); short protein forms T251M.
Identifiers: ClinVar variation 1353184 (VCV001353184.5), dbSNP rs375983669, ClinGen allele CA1729090.

ClinVar aggregate classification (germline): Uncertain significance. Review status: criteria provided, multiple submitters, no conflicts (2 of 4 stars). 2 submissions from 2 submitters: Uncertain significance (2). Last evaluated 2024-11-27.

Conditions:
LOXL3-related disorder. Also called: LOXL3-related condition.

Allele frequency attached by ClinVar (database versions not stated): ExAC 0.00008; gnomAD 0.00009; gnomAD exomes 0.00009 and 0.00017; TOPMed 0.00009; ESP Exome Variant Server 0.00023.
gnomAD v4.1: 266 of 1,614,050 alleles (0.016%); highest among the groups gnomAD compares: Non-Finnish European, 0.02%; 1 homozygote.

Submissions (2):

PreventionGenetics, part of Exact Sciences
Classification: Uncertain significance for LOXL3-related condition. Last evaluated: 2024-11-27. Review status: criteria provided, single submitter. Criteria: ACMG Guidelines, 2015. Collection method: clinical testing. Allele origin: germline.
Comment: The LOXL3 c.752C>T variant is predicted to result in the amino acid substitution p.Thr251Met. To our knowledge, this variant has not been reported in the literature. This variant is reported in 0.016% of alleles in individuals of African descent in gnomAD. At this time, the clinical significance of this variant is uncertain due to the absence of conclusive functional and genetic evidence.

Labcorp Genetics (formerly Invitae), Labcorp
Classification: Uncertain significance. Last evaluated: 2024-01-15. Review status: criteria provided, single submitter. Criteria: Invitae Variant Classification Sherloc (09022015). Collection method: clinical testing. Allele origin: germline.
Comment: This sequence change replaces threonine, which is neutral and polar, with methionine, which is neutral and non-polar, at codon 251 of the LOXL3 protein (p.Thr251Met). This variant is present in population databases (rs375983669, gnomAD 0.02%). This variant has not been reported in the literature in individuals affected with LOXL3-related conditions. ClinVar contains an entry for this variant (Variation ID: 1353184). An algorithm developed to predict the effect of missense changes on protein structure and function (PolyPhen-2) suggests that this variant is likely to be disruptive. In summary, the available evidence is currently insufficient to determine the role of this variant in disease. Therefore, it has been classified as a Variant of Uncertain Significance.